The following is an entry in ClinVar:

NM_000124.4(ERCC6):c.3907C>T (p.Arg1303Trp)

Gene: ERCC6 (ERCC excision repair 6, chromatin remodeling factor; minus strand). Cytogenetic location: 10q11.23.
Variant type: single nucleotide variant.
Coding change: c.3907C>T on transcript NM_000124.4 (MANE Select); coding-DNA position 3907, C replaced by T.
Protein change: p.Arg1303Trp; replaces arginine 1303 with tryptophan.
Molecular consequence: missense variant.
Genome position (GRCh38, 1-based): chr10:49,461,428, G>A on the plus strand (C>T on the coding strand, the complement: ERCC6 is on the minus strand). VCF-style: chr10-49461428-G-A. GRCh37 (hg19) VCF-style: chr10-50669474-G-A.
Other names: c.3907C>T, p.Arg1303Trp (NM_001346440.2); short protein forms R1303W.
Identifiers: ClinVar variation 2201618 (VCV002201618.1), dbSNP rs755725628, ClinGen allele CA5495235.

ClinVar aggregate classification (germline): Uncertain significance (1 of 4 stars; one submission).

Allele frequency attached by ClinVar (database versions not stated): gnomAD 0.00001; ExAC 0.00002; TOPMed 0.00002.
gnomAD v4.1: 30 of 1,614,024 alleles (0.0019%); highest among the groups gnomAD compares: African/African-American, 0.0027%; no homozygotes.

Submission:

Labcorp Genetics (formerly Invitae), Labcorp
Classification: Uncertain significance. Last evaluated: 2022-10-05. Review status: criteria provided, single submitter. Criteria: Invitae Variant Classification Sherloc (09022015). Collection method: clinical testing. Allele origin: germline.
Comment: This sequence change replaces arginine, which is basic and polar, with tryptophan, which is neutral and slightly polar, at codon 1303 of the ERCC6 protein (p.Arg1303Trp). This variant is present in population databases (rs755725628, gnomAD 0.003%). This variant has not been reported in the literature in individuals affected with ERCC6-related conditions. Advanced modeling of protein sequence and biophysical properties (such as structural, functional, and spatial information, amino acid conservation, physicochemical variation, residue mobility, and thermodynamic stability) performed at Invitae indicates that this missense variant is not expected to disrupt ERCC6 protein function. In summary, the available evidence is currently insufficient to determine the role of this variant in disease. Therefore, it has been classified as a Variant of Uncertain Significance.